The following is an entry in ClinVar:

NM_001184.4(ATR):c.2672A>G (p.His891Arg)

Gene: ATR (ATR checkpoint kinase; minus strand). Cytogenetic location: 3q23.
Variant type: single nucleotide variant.
Coding change: c.2672A>G on transcript NM_001184.4 (MANE Select); coding-DNA position 2672, A replaced by G.
Protein change: p.His891Arg; replaces histidine 891 with arginine.
Molecular consequence: missense variant.
Genome position (GRCh38, 1-based): chr3:142,553,360, T>C on the plus strand (A>G on the coding strand, the complement: ATR is on the minus strand). VCF-style: chr3-142553360-T-C. GRCh37 (hg19) VCF-style: chr3-142272202-T-C.
Other names: c.2480A>G, p.His827Arg (NM_001354579.2); short protein forms H891R, H827R.
Identifiers: ClinVar variation 2587565 (VCV002587565.2), dbSNP rs2108462643, ClinGen allele CA354814794.

ClinVar aggregate classification (germline): Uncertain significance (1 of 4 stars; one submission).

Conditions:
Inborn genetic diseases. Identifiers: MedGen C0950123, MeSH D030342.

Allele frequency attached by ClinVar (database versions not stated): gnomAD exomes below 0.00001.
gnomAD v4.1: 1 of 1,613,910 alleles (0.000062%); highest among the groups gnomAD compares: Non-Finnish European, 0.000085%; no homozygotes.

Submission:

Ambry Genetics
Classification: Uncertain significance for Inborn genetic diseases. Last evaluated: 2023-07-12. Review status: criteria provided, single submitter. Criteria: Ambry Variant Classification Scheme 2023. Collection method: clinical testing. Allele origin: germline.
Comment: The p.H891R variant (also known as c.2672A>G), located in coding exon 13 of the ATR gene, results from an A to G substitution at nucleotide position 2672. The histidine at codon 891 is replaced by arginine, an amino acid with highly similar properties. This amino acid position is conserved. In addition, this alteration is predicted to be tolerated by in silico analysis. Since supporting evidence is limited at this time, the clinical significance of this alteration remains unclear.